The following is an entry in ClinVar:

NM_001018115.3(FANCD2):c.3494G>A (p.Arg1165Gln)

Genes: FANCD2OS (FANCD2 opposite strand; minus strand), FANCD2 (FA complementation group D2; plus strand). Cytogenetic location: 3p25.3.
Variant type: single nucleotide variant.
Coding change: c.3494G>A on transcript NM_001018115.3 (MANE Select); coding-DNA position 3494, G replaced by A.
Protein change: p.Arg1165Gln; replaces arginine 1165 with glutamine.
Molecular consequence: missense variant. On other transcripts: intron variant (1).
Genome position (GRCh38, 1-based): chr3:10,088,476, G>A. VCF-style: chr3-10088476-G-A. GRCh37 (hg19) VCF-style: chr3-10130160-G-A.
Other names: c.3494G>A, p.Arg1165Gln (NM_033084.6, NM_001319984.2, NM_001374254.1); c.*44-6945C>T (NM_173472.2); c.3383G>A, p.Arg1128Gln (NM_001374253.1); short protein forms R1165Q, R1128Q.
Identifiers: ClinVar variation 526384 (VCV000526384.15), dbSNP rs549507714, ClinGen allele CA2250423.

ClinVar aggregate classification (germline): Conflicting classifications of pathogenicity. Review status: criteria provided, conflicting classifications (1 of 4 stars). 4 submissions from 4 submitters: Uncertain significance (3); Benign (1). Last evaluated 2024-11-06.

Conditions:
Ovarian cancer. Also called: OVARIAN CANCER, SOMATIC. Identifiers: Orphanet 213500, MedGen C1140680, MONDO:0008170, OMIM 167000.
Inborn genetic diseases. Identifiers: MedGen C0950123, MeSH D030342.
Fanconi anemia (FA). Also called: Fanconi's anemia. Identifiers: Orphanet 84, MedGen C0015625, MeSH D005199, MONDO:0019391.
Fanconi anemia complementation group D2. Also called: FANCD2-Related Fanconi Anemia; FANCONI PANCYTOPENIA, TYPE 4; FANCONI ANEMIA, COMPLEMENTATION GROUP D. Identifiers: Orphanet 84, MedGen C3160738, MONDO:0009214, OMIM 227646.

Allele frequency attached by ClinVar (database versions not stated): gnomAD 0.00004 and below 0.00001; gnomAD exomes 0.00011 and 0.00016; 1000 Genomes Project 30x 0.00016; ExAC 0.00016; 1000 Genomes Project 0.00020; TOPMed below 0.00001.
gnomAD v4.1: 160 of 1,611,224 alleles (0.0099%); highest among the groups gnomAD compares: South Asian, 0.14%; 2 homozygotes.

Submissions (5):

Labcorp Genetics (formerly Invitae), Labcorp
Classification: Uncertain significance for Fanconi anemia. Last evaluated: 2024-11-06. Review status: criteria provided, single submitter. Criteria: Invitae Variant Classification Sherloc (09022015). Collection method: clinical testing. Allele origin: germline.
Comment: This sequence change replaces arginine, which is basic and polar, with glutamine, which is neutral and polar, at codon 1165 of the FANCD2 protein (p.Arg1165Gln). This variant is present in population databases (rs549507714, gnomAD 0.1%). This variant has not been reported in the literature in individuals affected with FANCD2-related conditions. ClinVar contains an entry for this variant (Variation ID: 526384). Invitae Evidence Modeling of protein sequence and biophysical properties (such as structural, functional, and spatial information, amino acid conservation, physicochemical variation, residue mobility, and thermodynamic stability) indicates that this missense variant is not expected to disrupt FANCD2 protein function with a negative predictive value of 80%. In summary, the available evidence is currently insufficient to determine the role of this variant in disease. Therefore, it has been classified as a Variant of Uncertain Significance.

Fulgent Genetics
Classification: Uncertain significance for Fanconi anemia complementation group D2. Last evaluated: 2024-03-14. Review status: criteria provided, single submitter. Criteria: ACMG Guidelines, 2015. Collection method: clinical testing. Allele origin: germline.

Ambry Genetics
Classification: Uncertain significance for Inborn genetic diseases. Last evaluated: 2022-03-29. Review status: criteria provided, single submitter. Criteria: Ambry Variant Classification Scheme 2023. Collection method: clinical testing. Allele origin: germline.

Laboratory of Molecular Epidemiology of Birth Defects, West China Second University Hospital, Sichuan University
Classification: Benign for Ovarian cancer. Last evaluated: 2022-01-01. Review status: criteria provided, single submitter. Criteria: ACMG Guidelines, 2015. Collection method: clinical testing. Allele origin: germline. Affected: yes.

Dr. Peter K. Rogan Lab, Western University
No classification provided (evidence only). Condition: Uterine corpus endometrial carcinoma. Review status: no classification provided. Collection method: in vitro. Allele origin: not applicable. Functional consequence: retained intron. Not counted in ClinVar's aggregate classification.